The following is an entry in ClinVar:

ClinVar aggregate classification (germline): Conflicting classifications of pathogenicity. Review status: criteria provided, conflicting classifications (1 of 4 stars). 3 submissions from 3 submitters: Uncertain significance (2); Likely benign (1). Last evaluated 2024-11-15.

Conditions:
Inborn genetic diseases. Identifiers: MedGen C0950123, MeSH D030342.

Allele frequency attached by ClinVar (database versions not stated): ExAC 0.00006; gnomAD 0.00006 and 0.00007; ESP Exome Variant Server 0.00008; gnomAD exomes 0.00010; TOPMed 0.00010.
gnomAD v4.1: 294 of 1,586,248 alleles (0.019%); highest among the groups gnomAD compares: Non-Finnish European, 0.025%; no homozygotes.

Submissions (3):

Blueprint Genetics
Classification: Uncertain significance. Last evaluated: 2024-11-15. Review status: criteria provided, single submitter. Criteria: ACMG Guidelines, 2015. Collection method: clinical testing. Allele origin: germline.

Ambry Genetics
Classification: Likely benign for Inborn genetic diseases. Last evaluated: 2024-01-03. Review status: criteria provided, single submitter. Criteria: Ambry Variant Classification Scheme 2023. Collection method: clinical testing. Allele origin: germline.

Labcorp Genetics (formerly Invitae), Labcorp
Classification: Uncertain significance. Last evaluated: 2023-12-11. Review status: criteria provided, single submitter. Criteria: Invitae Variant Classification Sherloc (09022015). Collection method: clinical testing. Allele origin: germline.
Comment: This sequence change replaces alanine, which is neutral and non-polar, with threonine, which is neutral and polar, at codon 492 of the PDE6C protein (p.Ala492Thr). This variant is present in population databases (rs139638257, gnomAD 0.02%). This variant has not been reported in the literature in individuals affected with PDE6C-related conditions. ClinVar contains an entry for this variant (Variation ID: 838938). Algorithms developed to predict the effect of missense changes on protein structure and function output the following: SIFT: "Not Available"; PolyPhen-2: "Benign"; Align-GVGD: "Not Available". The threonine amino acid residue is found in multiple mammalian species, which suggests that this missense change does not adversely affect protein function. In summary, the available evidence is currently insufficient to determine the role of this variant in disease. Therefore, it has been classified as a Variant of Uncertain Significance.

NM_006204.4(PDE6C):c.1474G>A (p.Ala492Thr)

Gene: PDE6C (phosphodiesterase 6C; plus strand). Cytogenetic location: 10q23.33.
Variant type: single nucleotide variant.
Coding change: c.1474G>A on transcript NM_006204.4 (MANE Select); coding-DNA position 1474, G replaced by A.
Protein change: p.Ala492Thr; replaces alanine 492 with threonine.
Molecular consequence: missense variant.
Genome position (GRCh38, 1-based): chr10:93,637,055, G>A. VCF-style: chr10-93637055-G-A. GRCh37 (hg19) VCF-style: chr10-95396812-G-A.
Other names: short protein forms A492T.
Identifiers: ClinVar variation 838938 (VCV000838938.7), dbSNP rs139638257, ClinGen allele CA5610192.
Genomic context (GRCh38, chr10:93,637,055, plus strand): 5'-AAATTTCAAGAGAAGTTAAATGTTGATGTAATTGACGACTGTGAAGAAAAACAACTTGTT[G>A]CAATTTTGGTAAGTGTTTTCTTTCTAACCTTAATGCCTGTTAAATAGAGGCATTATAAAT-3'
Protein context (NP_006195.3, residues 482-502): IDDCEEKQLV[Ala492Thr]ILKEDLPDPR